The following is an entry in ClinVar:

NM_005751.5(AKAP9):c.1103A>G (p.Gln368Arg)

Gene: AKAP9 (A-kinase anchoring protein 9; plus strand). Cytogenetic location: 7q21.2.
Variant type: single nucleotide variant.
Coding change: c.1103A>G on transcript NM_005751.5 (MANE Select); coding-DNA position 1103, A replaced by G.
Protein change: p.Gln368Arg; replaces glutamine 368 with arginine.
Molecular consequence: missense variant.
Genome position (GRCh38, 1-based): chr7:92,001,020, A>G. VCF-style: chr7-92001020-A-G. GRCh37 (hg19) VCF-style: chr7-91630334-A-G.
Other names: c.1103A>G, p.Gln368Arg (NM_147185.3); short protein forms Q368R.
Identifiers: ClinVar variation 937614 (VCV000937614.11), dbSNP rs901965564, ClinGen allele CA161906662.

ClinVar aggregate classification (germline): Uncertain significance. Review status: criteria provided, multiple submitters, no conflicts (2 of 4 stars). 2 submissions from 2 submitters: Uncertain significance (2). Last evaluated 2025-07-31.

Conditions:
Cardiovascular phenotype. Identifiers: MedGen CN230736.
Long QT syndrome (LQTS). Identifiers: MedGen C0023976, MeSH D008133, MONDO:0002442. Disease mechanism: loss of function. Inheritance: Various modes of inheritance.

Allele frequency attached by ClinVar (database versions not stated): TOPMed 0.00002; gnomAD exomes 0.00001; gnomAD 0.00002.
gnomAD v4.1: 18 of 1,570,000 alleles (0.0011%); highest among the groups gnomAD compares: Admixed American, 0.0057%; no homozygotes.

Submissions (2):

Ambry Genetics
Classification: Uncertain significance for Cardiovascular phenotype. Last evaluated: 2025-07-31. Review status: criteria provided, single submitter. Criteria: Ambry Variant Classification Scheme 2023. Collection method: clinical testing. Allele origin: germline.

Labcorp Genetics (formerly Invitae), Labcorp
Classification: Uncertain significance for Long QT syndrome. Last evaluated: 2025-02-04. Review status: criteria provided, single submitter. Criteria: Invitae Variant Classification Sherloc (09022015). Collection method: clinical testing. Allele origin: germline.
Comment: This sequence change replaces glutamine, which is neutral and polar, with arginine, which is basic and polar, at codon 368 of the AKAP9 protein (p.Gln368Arg). This variant is present in population databases (no rsID available, gnomAD 0.004%). This variant has not been reported in the literature in individuals affected with AKAP9-related conditions. ClinVar contains an entry for this variant (Variation ID: 937614). An algorithm developed to predict the effect of missense changes on protein structure and function (PolyPhen-2) suggests that this variant is likely to be tolerated. In summary, the available evidence is currently insufficient to determine the role of this variant in disease. Therefore, it has been classified as a Variant of Uncertain Significance.